The following is an entry in ClinVar:

NM_213655.5(WNK1):c.2774A>C (p.Glu925Ala)

Gene: WNK1 (WNK lysine deficient protein kinase 1; plus strand). Cytogenetic location: 12p13.33.
Variant type: single nucleotide variant.
Coding change: c.2774A>C on transcript NM_213655.5 (MANE Plus Clinical); coding-DNA position 2774, A replaced by C.
Protein change: p.Glu925Ala; replaces glutamic acid 925 with alanine.
Molecular consequence: missense variant. On other transcripts: intron variant (2).
Genome position (GRCh38, 1-based): chr12:868,245, A>C. VCF-style: chr12-868245-A-C. GRCh37 (hg19) VCF-style: chr12-977411-A-C.
Other names: c.2519A>C, p.Glu840Ala (NM_001184985.2); c.2140-3020A>C (NM_018979.4, NM_014823.3); short protein forms E840A, E925A.
Identifiers: ClinVar variation 647626 (VCV000647626.12), dbSNP rs764243416, ClinGen allele CA6382236.
Genomic context (GRCh38, chr12:868,245, plus strand): 5'-CTATGTTTGAACCATCTCAAGTTTACAGTGACTATAGACCTGGACTAGTACTTCCAGAAG[A>C]AGCTCACTATTTTATTCCTCAGGAAGCAGTGTATGTAGCTGGGGTACATTACCAGGCCCG-3'
Protein context (NP_998820.3, residues 915-935): DYRPGLVLPE[Glu925Ala]AHYFIPQEAV

ClinVar aggregate classification (germline): Uncertain significance. Review status: criteria provided, multiple submitters, no conflicts (2 of 4 stars). 2 submissions from 2 submitters: Uncertain significance (2). Last evaluated 2023-07-08.

Conditions:
Inborn genetic diseases. Identifiers: MedGen C0950123, MeSH D030342.
Neuropathy, hereditary sensory and autonomic, type 2A (HSAN2A). Also called: WNK1-Related HSAN2 (HSAN2A); ACROOSTEOLYSIS, GIACCAI TYPE; ACROOSTEOLYSIS, NEUROGENIC; HSAN IIA; MORVAN DISEASE; NEUROPATHY, CONGENITAL SENSORY. Identifiers: Orphanet 970, MedGen C2752089, MONDO:0024309, OMIM 201300.
Pseudohypoaldosteronism type 2C (PHA2C). Also called: Pseudohypoaldosteronism Type IIC. Identifiers: Orphanet 757, Orphanet 88940, MedGen C1840391, MONDO:0013778, OMIM 614492.

Allele frequency attached by ClinVar (database versions not stated): gnomAD exomes below 0.00001 and 0.00001; ExAC 0.00001.
gnomAD v4.1: 6 of 1,603,542 alleles (0.00037%); highest among the groups gnomAD compares: Non-Finnish European, 0.00051%; no homozygotes.

Submissions (2):

Labcorp Genetics (formerly Invitae), Labcorp
Classification: Uncertain significance for Neuropathy, hereditary sensory and autonomic, type 2A; Pseudohypoaldosteronism type 2C. Last evaluated: 2023-07-08. Review status: criteria provided, single submitter. Criteria: Invitae Variant Classification Sherloc (09022015). Collection method: clinical testing. Allele origin: germline.
Comment: This sequence change replaces glutamic acid, which is acidic and polar, with alanine, which is neutral and non-polar, at codon 925 of the WNK1 protein (p.Glu925Ala). This variant is present in population databases (rs764243416, gnomAD 0.001%). This variant has not been reported in the literature in individuals affected with WNK1-related conditions. ClinVar contains an entry for this variant (Variation ID: 647626). Advanced modeling of protein sequence and biophysical properties (such as structural, functional, and spatial information, amino acid conservation, physicochemical variation, residue mobility, and thermodynamic stability) performed at Invitae indicates that this missense variant is not expected to disrupt WNK1 protein function. In summary, the available evidence is currently insufficient to determine the role of this variant in disease. Therefore, it has been classified as a Variant of Uncertain Significance.

Ambry Genetics
Classification: Uncertain significance for Inborn genetic diseases. Last evaluated: 2021-03-03. Review status: criteria provided, single submitter. Criteria: Ambry Variant Classification Scheme 2023. Collection method: clinical testing. Allele origin: germline.
Comment: The p.E925A variant (also known as c.2774A>C), located in coding exon 10 of the WNK1 gene, results from an A to C substitution at nucleotide position 2774. The glutamic acid at codon 925 is replaced by alanine, an amino acid with dissimilar properties. This amino acid position is well conserved in available vertebrate species. In addition, this alteration is predicted to be tolerated by in silico analysis. Since supporting evidence is limited at this time, the clinical significance of this alteration remains unclear.